The following is an entry in ClinVar:

NM_052859.4(RFT1):c.827-6T>G

Gene: RFT1 (RFT1 glycolipid translocator homolog; minus strand). Cytogenetic location: 3p21.1.
Variant type: single nucleotide variant.
Coding change: c.827-6T>G on transcript NM_052859.4 (MANE Select); 6 bases into the intron before coding-DNA position 827, T replaced by G.
Molecular consequence: intron variant.
Genome position (GRCh38, 1-based): chr3:53,105,809, A>C on the plus strand (T>G on the coding strand, the complement: RFT1 is on the minus strand). VCF-style: chr3-53105809-A-C. GRCh37 (hg19) VCF-style: chr3-53139825-A-C.
Identifiers: ClinVar variation 489175 (VCV000489175.6), dbSNP rs753486430, ClinGen allele CA658683366.

ClinVar aggregate classification (germline): Uncertain significance. Review status: criteria provided, multiple submitters, no conflicts (2 of 4 stars). 2 submissions from 2 submitters: Uncertain significance (2). Last evaluated 2018-01-13.

Conditions:
RFT1-congenital disorder of glycosylation (CDG1N). Also called: RFT1-CDG; CDG In; Congenital disorder of glycosylation type In. Identifiers: Orphanet 244310, MedGen C2677590, MONDO:0012783, OMIM 612015.

Allele frequency attached by ClinVar (database versions not stated): gnomAD exomes below 0.00001.
gnomAD v4.1: 6 of 1,611,668 alleles (0.00037%); highest among the groups gnomAD compares: Middle Eastern, 0.099%; no homozygotes.

Submissions (2):

Illumina Laboratory Services, Illumina
Classification: Uncertain significance for RFT1-congenital disorder of glycosylation. Last evaluated: 2018-01-13. Review status: criteria provided, single submitter. Criteria: ICSL Variant Classification Criteria 13 December 2019. Collection method: clinical testing. Allele origin: germline.

GeneDx
Classification: Uncertain significance. Last evaluated: 2017-11-28. Review status: criteria provided, single submitter. Criteria: GeneDx Variant Classification (06012015). Collection method: clinical testing. Allele origin: germline. Affected: yes.
Comment: The c.827-6 T>G variant has not been published as a pathogenic variant, nor has it been reported as a benign variant to our knowledge. This variant is not observed in large population cohorts (Lek et al., 2016). Several in silico splice prediction models predict that c.827-6 T>G may damage the natural splice acceptor site and lead to abnormal gene splicing. However, in the absence of RNA/functional studies, the actual effect of this sequence change in this individual is unknown.